The following is an entry in ClinVar:

ClinVar aggregate classification (germline): Uncertain significance (1 of 4 stars; one submission).

Conditions:
Combined immunodeficiency due to CTPS1 deficiency. Also called: Severe combined immunodeficiency due to CTPS1 deficiency; Immunodeficiency 24. Identifiers: Orphanet 420573, MedGen C4014617, MONDO:0014391, OMIM 615897.

gnomAD v4.1: 7 of 1,613,912 alleles (0.00043%); highest among the groups gnomAD compares: Non-Finnish European, 0.00059%; no homozygotes.

Submission:

Labcorp Genetics (formerly Invitae), Labcorp
Classification: Uncertain significance for Combined immunodeficiency due to CTPS1 deficiency. Last evaluated: 2024-11-04. Review status: criteria provided, single submitter. Criteria: Invitae Variant Classification Sherloc (09022015). Collection method: clinical testing. Allele origin: germline.
Comment: This sequence change replaces glutamic acid, which is acidic and polar, with lysine, which is basic and polar, at codon 582 of the CTPS1 protein (p.Glu582Lys). This variant is present in population databases (rs753610646, gnomAD 0.002%). This variant has not been reported in the literature in individuals affected with CTPS1-related conditions. ClinVar contains an entry for this variant (Variation ID: 1948213). An algorithm developed to predict the effect of missense changes on protein structure and function (PolyPhen-2) suggests that this variant is likely to be tolerated. In summary, the available evidence is currently insufficient to determine the role of this variant in disease. Therefore, it has been classified as a Variant of Uncertain Significance.

NM_001905.4(CTPS1):c.1744G>A (p.Glu582Lys)

Gene: CTPS1 (CTP synthase 1; plus strand). Cytogenetic location: 1p34.2.
Variant type: single nucleotide variant.
Coding change: c.1744G>A on transcript NM_001905.4 (MANE Select); coding-DNA position 1744, G replaced by A.
Protein change: p.Glu582Lys; replaces glutamic acid 582 with lysine.
Molecular consequence: missense variant. On other transcripts: non-coding transcript variant (1).
Genome position (GRCh38, 1-based): chr1:41,010,213, G>A. VCF-style: chr1-41010213-G-A. GRCh37 (hg19) VCF-style: chr1-41475885-G-A.
Other names: c.1276G>A, p.Glu426Lys (NM_001301237.2); short protein forms E582K, E426K.
Identifiers: ClinVar variation 1948213 (VCV001948213.5), dbSNP rs753610646, ClinGen allele CA795615.